The following is an entry in ClinVar:

ClinVar aggregate classification (germline): Uncertain significance. Review status: criteria provided, multiple submitters, no conflicts (2 of 4 stars). 2 submissions from 2 submitters: Uncertain significance (2). Last evaluated 2025-08-14.

Conditions:
Epidermodysplasia verruciformis. Identifiers: Orphanet 302, MedGen C0014522, MONDO:0009176.
Inborn genetic diseases. Identifiers: MedGen C0950123, MeSH D030342.

Allele frequency attached by ClinVar (database versions not stated): gnomAD 0.00001; gnomAD exomes 0.00001 and 0.00002; TOPMed 0.00001; ExAC 0.00002.

Submissions (2):

Ambry Genetics
Classification: Uncertain significance for Inborn genetic diseases. Last evaluated: 2025-08-14. Review status: criteria provided, single submitter. Criteria: Ambry Variant Classification Scheme 2023. Collection method: clinical testing. Allele origin: germline.

Labcorp Genetics (formerly Invitae), Labcorp
Classification: Uncertain significance for Epidermodysplasia verruciformis. Last evaluated: 2022-01-28. Review status: criteria provided, single submitter. Criteria: Invitae Variant Classification Sherloc (09022015). Collection method: clinical testing. Allele origin: germline.
Comment: This sequence change replaces arginine, which is basic and polar, with cysteine, which is neutral and slightly polar, at codon 157 of the TMC8 protein (p.Arg157Cys). This variant is present in population databases (rs762677074, gnomAD 0.006%). This variant has not been reported in the literature in individuals affected with TMC8-related conditions. ClinVar contains an entry for this variant (Variation ID: 1026652). Algorithms developed to predict the effect of missense changes on protein structure and function (SIFT, PolyPhen-2, Align-GVGD) all suggest that this variant is likely to be tolerated. In summary, the available evidence is currently insufficient to determine the role of this variant in disease. Therefore, it has been classified as a Variant of Uncertain Significance.

NM_152468.5(TMC8):c.469C>T (p.Arg157Cys)

Gene: TMC8 (transmembrane channel like 8; plus strand). Cytogenetic location: 17q25.3.
Variant type: single nucleotide variant.
Coding change: c.469C>T on transcript NM_152468.5 (MANE Select); coding-DNA position 469, C replaced by T.
Protein change: p.Arg157Cys; replaces arginine 157 with cysteine.
Molecular consequence: missense variant.
Genome position (GRCh38, 1-based): chr17:78,132,808, C>T. VCF-style: chr17-78132808-C-T. GRCh37 (hg19) VCF-style: chr17-76128889-C-T.
Other names: c.469C>T (NM_152468.4); short protein forms R157C.
Identifiers: ClinVar variation 1026652 (VCV001026652.7), dbSNP rs762677074, ClinGen allele CA8796469.